The following is an entry in ClinVar:

NM_001330360.2(POLA1):c.4001A>G (p.Asn1334Ser)

Gene: POLA1 (DNA polymerase alpha 1, catalytic subunit; plus strand). Cytogenetic location: Xp22.11.
Variant type: single nucleotide variant.
Coding change: c.4001A>G on transcript NM_001330360.2 (MANE Select); coding-DNA position 4001, A replaced by G.
Protein change: p.Asn1334Ser; replaces asparagine 1334 with serine.
Molecular consequence: missense variant. On other transcripts: non-coding transcript variant (2).
Genome position (GRCh38, 1-based): chrX:24,843,631, A>G. VCF-style: chrX-24843631-A-G. GRCh37 (hg19) VCF-style: chrX-24861748-A-G.
Other names: c.3926A>G, p.Asn1309Ser (NM_001378303.1); c.3983A>G, p.Asn1328Ser (NM_016937.4); short protein forms N1309S, N1328S, N1334S.
Identifiers: ClinVar variation 2444023 (VCV002444023.1), dbSNP rs758803326, ClinGen allele CA10373656.

ClinVar aggregate classification (germline): Uncertain significance (1 of 4 stars; one submission).

Conditions:
X-linked intellectual disability, van Esch type. Also called: MENTAL RETARDATION, X-LINKED, SYNDROMIC, VAN ESCH-O''DRISCOLL TYPE; Van Esch-O'Driscoll syndrome. Identifiers: Orphanet 163976, MedGen C4305072, MONDO:0015601, OMIM 301030.

Allele frequency attached by ClinVar (database versions not stated): gnomAD exomes below 0.00001; ExAC 0.00001; TOPMed 0.00001.
gnomAD v4.1: 3 of 1,187,221 alleles (0.00025%); highest among the groups gnomAD compares: Admixed American, 0.0067%; no homozygotes.

Submission:

3billion
Classification: Uncertain significance for X-linked intellectual disability, van Esch type. Last evaluated: 2023-02-23. Review status: criteria provided, single submitter. Criteria: ACMG Guidelines, 2015. Collection method: clinical testing. Allele origin: unknown. Affected: yes.
Comment: The variant is observed at an extremely low frequency in the gnomAD v2.1.1 dataset (total allele frequency: 0.001%). Missense changes are a common disease-causing mechanism. Therefore, this variant is classified as VUS according to the recommendation of ACMG/AMP guideline.